The following is an entry in ClinVar:

ClinVar aggregate classification (germline): Pathogenic (1 of 4 stars; one submission).

Conditions:
Hereditary spastic paraplegia 4. Also called: Spastic paraplegia 4, autosomal dominant; Familial spastic paraplegia autosomal dominant 2; Spastic Paraplegia 4. Identifiers: Orphanet 100985, MedGen C1866855, MONDO:0008438, OMIM 182601.

Submission:

Labcorp Genetics (formerly Invitae), Labcorp
Classification: Pathogenic for Hereditary spastic paraplegia 4. Last evaluated: 2023-11-05. Review status: criteria provided, single submitter. Criteria: Invitae Variant Classification Sherloc (09022015). Collection method: clinical testing. Allele origin: germline.
Comment: This sequence change creates a premature translational stop signal (p.Ser575Valfs*3) in the SPAST gene. While this is not anticipated to result in nonsense mediated decay, it is expected to disrupt the last 42 amino acid(s) of the SPAST protein. This variant is not present in population databases (gnomAD no frequency). This variant has not been reported in the literature in individuals affected with SPAST-related conditions. This variant disrupts a region of the SPAST protein in which other variant(s) (p.Thr615Ile) have been determined to be pathogenic (PMID: 12124993). This suggests that this is a clinically significant region of the protein, and that variants that disrupt it are likely to be disease-causing. For these reasons, this variant has been classified as Pathogenic.

Literature cited by the submitters: PubMed 12124993.

NM_014946.4(SPAST):c.1723del (p.Ser575fs)

Gene: SPAST (spastin; plus strand). Cytogenetic location: 2p22.3.
Variant type: Deletion.
Coding change: c.1723del on transcript NM_014946.4 (MANE Select); coding-DNA position 1723, one base deleted (A; older notation c.1723delA).
Protein change: p.Ser575fs; shifts the reading frame from serine 575.
Molecular consequence: frameshift variant.
Genome position (GRCh38, 1-based): chr2:32,147,253, A deleted. VCF-style (leftmost placement, unchanged base first): chr2-32147252-CA-C. GRCh37 (hg19) VCF-style: chr2-32372321-CA-C.
Other names: c.1720del, p.Ser574fs (NM_001363823.2); c.1624del, p.Ser542fs (NM_001363875.2); c.1556del, p.Gln519fs (NM_001377959.1); c.1627del, p.Ser543fs (NM_199436.2); short protein forms Q519fs, S575fs, S542fs, S543fs, S574fs.
Identifiers: ClinVar variation 2772448 (VCV002772448.3), dbSNP rs2465917160, ClinGen allele CA2697547987.